The following is an entry in ClinVar:

ClinVar aggregate classification (germline): Likely pathogenic. Review status: criteria provided, single submitter (1 of 4 stars). 2 submissions from 2 submitters: Likely pathogenic (1). 1 of the submissions does not count toward it. Last evaluated 2018-09-14.

Conditions:
Congenital anomaly of kidney and urinary tract. Also called: Congenital anomalies of kidney and urinary tract; Congenital anomalies of the kidney and urinary tract. Identifiers: Orphanet 93545, MedGen C1968949, MeSH C566906, MONDO:0019719.
Fraser syndrome 1 (FRASRS1). Also called: CRYPTOPHTHALMOS WITH OTHER MALFORMATIONS. Identifiers: Orphanet 2052, MedGen C4551480, MONDO:0054737, OMIM 219000.

Allele frequency attached by ClinVar (database versions not stated): gnomAD exomes 0.00001 and 0.00002; gnomAD 0.00003; TOPMed 0.00004.
gnomAD v4.1: 31 of 1,612,182 alleles (0.0019%); highest among the groups gnomAD compares: African/African-American, 0.004%; no homozygotes.

Submissions (2):

Service de Biochimie Médicale et Biologie Moléculaire, CHU Clermont-Ferrand
Classification: Likely pathogenic for Fraser syndrome 1. Last evaluated: 2018-09-14. Review status: criteria provided, single submitter. Criteria: ACMG Guidelines, 2015. Collection method: clinical testing. Allele origin: inherited. Inheritance: Autosomal recessive inheritance. Affected: yes.
Comment: This variant in homozygous state or compound heterozygous state induced Fraser syndrome phenotype

Sydney Genome Diagnostics, Children's Hospital Westmead
Classification: Uncertain significance for Congenital anomaly of kidney and urinary tract. Last evaluated: 2018-10-24. Review status: no assertion criteria provided. Collection method: clinical testing. Allele origin: unknown. Affected: yes. Observed: 1 variant allele, 1 compound heterozygote. Not counted in ClinVar's aggregate classification.
Comment: To our knowledge, this variant has not been previously reported in the literature and no frequency data is available. In silico analysis (Alamut Visual v2.4) predicts this variant to reduce the splicing efficiency of the consensus splice donor site at c.8604. However, this analysis alone cannot be used to confirm pathogenicity.

NM_025074.7(FRAS1):c.8604+5G>A

Genes: FRAS1 (Fraser extracellular matrix complex subunit 1; plus strand), LOC126807088 (CDK7 strongly-dependent group 2 enhancer GRCh37_chr4:79402250-79403449; plus strand). Cytogenetic location: 4q21.21.
Variant type: single nucleotide variant.
Coding change: c.8604+5G>A on transcript NM_025074.7 (MANE Select); 5 bases into the intron after coding-DNA position 8604, G replaced by A.
Molecular consequence: intron variant.
Genome position (GRCh38, 1-based): chr4:78,481,969, G>A. VCF-style: chr4-78481969-G-A. GRCh37 (hg19) VCF-style: chr4-79403123-G-A.
Identifiers: ClinVar variation 916658 (VCV000916658.3), dbSNP rs200282443, ClinGen allele CA99955783.